The following is an entry in ClinVar:

NM_152416.4(NDUFAF6):c.20G>T (p.Gly7Val)

Genes: NDUFAF6 (NADH:ubiquinone oxidoreductase complex assembly factor 6; plus strand), LOC113788297 (Sharpr-MPRA regulatory region 2014; plus strand). Cytogenetic location: 8q22.1.
Variant type: single nucleotide variant.
Coding change: c.20G>T on transcript NM_152416.4 (MANE Select); coding-DNA position 20, G replaced by T.
Protein change: p.Gly7Val; replaces glycine 7 with valine.
Molecular consequence: missense variant. On other transcripts: 5 prime UTR variant (12), non-coding transcript variant (6), intron variant (7).
Genome position (GRCh38, 1-based): chr8:95,025,028, G>T. VCF-style: chr8-95025028-G-T. GRCh37 (hg19) VCF-style: chr8-96037256-G-T.
Other names: c.-261G>T (NM_001330582.2, NM_001354521.2); c.-214G>T (NM_001354517.2); c.-433G>T (NM_001354518.2); c.-429G>T (NM_001354519.2); c.-778G>T (NM_001354527.2); c.-749G>T (NM_001354528.2); c.-561G>T (NM_001354529.2); c.-663G>T (NM_001354530.2); and 8 more; short protein forms G7V.
Identifiers: ClinVar variation 1315671 (VCV001315671.7), dbSNP rs559043276, ClinGen allele CA4814660.
Genomic context (GRCh38, chr8:95,025,028, plus strand): 5'-CGCCGACGGCGGGGGGTCGAAGGGCACGCAGTGCCGGCGTCATGGCGGCCTCCGCGCACG[G>T]CTCTGTCTGGGGGCCGTTGCGGCTTGGCATCCCCGGCCTGTGCTGCCGCCGGCCGCCTCT-3'
Protein context (NP_689629.2, residues 1-17): MAASAH[Gly7Val]SVWGPLRLGI

ClinVar aggregate classification (germline): Uncertain significance. Review status: criteria provided, multiple submitters, no conflicts (2 of 4 stars). 2 submissions from 2 submitters: Uncertain significance (2). Last evaluated 2026-09-14.

Allele frequency attached by ClinVar (database versions not stated): gnomAD exomes 0.00011; 1000 Genomes Project 0.00020; 1000 Genomes Project 30x 0.00031; ExAC 0.00048; gnomAD 0.00051 and 0.00054; TOPMed 0.00059.
gnomAD v4.1: 138 of 1,377,774 alleles (0.01%); highest among the groups gnomAD compares: African/African-American, 0.18%; 1 homozygote.

Submissions (2):

GeneDx
Classification: Uncertain significance. Last evaluated: 2026-09-14. Review status: criteria provided, single submitter. Criteria: GeneDx Variant Classification Process June 2021. Collection method: clinical testing. Allele origin: germline.
Comment: In silico analysis suggests that this missense variant does not alter protein structure/function; Has not been previously published as pathogenic or benign to our knowledge

Labcorp Genetics (formerly Invitae), Labcorp
Classification: Uncertain significance. Last evaluated: 2022-07-03. Review status: criteria provided, single submitter. Criteria: Invitae Variant Classification Sherloc (09022015). Collection method: clinical testing. Allele origin: germline.
Comment: This sequence change replaces glycine, which is neutral and non-polar, with valine, which is neutral and non-polar, at codon 7 of the NDUFAF6 protein (p.Gly7Val). The frequency data for this variant in the population databases is considered unreliable, as metrics indicate poor data quality at this position in the gnomAD database. This variant has not been reported in the literature in individuals affected with NDUFAF6-related conditions. ClinVar contains an entry for this variant (Variation ID: 1315671). Algorithms developed to predict the effect of missense changes on protein structure and function (SIFT, PolyPhen-2, Align-GVGD) all suggest that this variant is likely to be tolerated. In summary, the available evidence is currently insufficient to determine the role of this variant in disease. Therefore, it has been classified as a Variant of Uncertain Significance.